The following is an entry in ClinVar:

NM_001267550.2(TTN):c.46142_46149delinsGCTT (p.Val15381fs)

Gene: TTN (titin; minus strand). Cytogenetic location: 2q31.2.
Variant type: Indel.
Coding change: c.46142_46149delinsGCTT on transcript NM_001267550.2 (MANE Select); coding-DNA positions 46142 to 46149, TTGCTGAG replaced by GCTT.
Protein change: p.Val15381fs; shifts the reading frame from valine 15381.
Molecular consequence: frameshift variant.
Genome position (GRCh38, 1-based): chr2:178,620,372-178,620,379, CTCAGCAA replaced by AAGC on the plus strand (TTGCTGAG replaced by GCTT on the coding strand, the reverse complement: TTN is on the minus strand). VCF-style: chr2-178620372-CTCAGCAA-AAGC. GRCh37 (hg19) VCF-style: chr2-179485099-CTCAGCAA-AAGC.
Other names: c.18947_18954delTTGCTGAGinsGCTT (NM_003319.4); c.41219_41226delinsGCTT, p.Val13740fs (NM_001256850.1); c.18947_18954delinsGCTT, p.Val6316fs (NM_003319.4); c.38438_38445delinsGCTT, p.Val12813fs (NM_133378.4); c.19322_19329delinsGCTT, p.Val6441fs (NM_133432.3); c.19523_19530delinsGCTT, p.Val6508fs (NM_133437.4); short protein forms V12813fs, V13740fs, V15381fs, V6316fs, V6441fs, V6508fs.
Identifiers: ClinVar variation 4866227 (VCV004866227.1).

ClinVar aggregate classification (germline): Uncertain significance (1 of 4 stars; one submission).

Conditions:
Cardiovascular phenotype. Identifiers: MedGen CN230736.

Submission:

Ambry Genetics
Classification: Uncertain significance for Cardiovascular phenotype. Last evaluated: 2026-05-19. Review status: criteria provided, single submitter. Criteria: Ambry Variant Classification Scheme 2023. Collection method: clinical testing. Allele origin: germline.
Comment: The c.18947_18954delTTGCTGAGinsGCTT variant, located in coding exon 75 of the TTN gene, results from the deletion of 8 nucleotides and insertion of 4 nucleotides causing a translational frameshift with a predicted alternate stop codon (p.V6316Gfs*6). This exon is located in the I-band region of the N2-B isoform of the titin protein and is constitutively expressed in TTN transcripts (percent spliced in or PSI 100%). Loss-of-function variants are expected to result in loss of function by premature protein truncation or nonsense-mediated mRNA decay. However, in silico splice site analysis predicts that this alteration may result in the creation or strengthening of a novel splice acceptor site. The exact functional effect of this variant is unknown. The exact functional effect of the predicted splice impact is unknown. Based on the available evidence, the clinical significance of this variant remains unclear.